The following is an entry in ClinVar:

NM_024662.3(NAT10):c.1686C>T (p.Pro562=)

Gene: NAT10 (N-acetyltransferase 10; plus strand). Cytogenetic location: 11p13.
Variant type: single nucleotide variant.
Coding change: c.1686C>T on transcript NM_024662.3 (MANE Select); coding-DNA position 1686, C replaced by T.
Protein change: p.Pro562=; no amino-acid change (proline 562 retained).
Molecular consequence: synonymous variant.
Genome position (GRCh38, 1-based): chr11:34,133,094, C>T. VCF-style: chr11-34133094-C-T. GRCh37 (hg19) VCF-style: chr11-34154641-C-T.
Other names: c.1470C>T, p.Pro490= (NM_001144030.2).
Identifiers: ClinVar variation 403219 (VCV000403219.5), dbSNP rs2957518, ClinGen allele CA5942671.

ClinVar aggregate classification (germline): Benign. Review status: criteria provided, multiple submitters, no conflicts (2 of 4 stars). 2 submissions from 2 submitters: Benign (2). Last evaluated 2016-03-29.

Allele frequency attached by ClinVar (database versions not stated): ESP Exome Variant Server 0.84869; 1000 Genomes Project 30x 0.85384; TOPMed 0.85881; 1000 Genomes Project 0.86042; gnomAD 0.86103 and 0.86785; ExAC 0.93369; gnomAD exomes 0.93972 and 0.95492.
gnomAD v4.1: 1,527,369 of 1,614,020 alleles (95%); highest among the groups gnomAD compares: East Asian, 100%; 726,815 homozygotes.

Submissions (2):

Laboratory for Molecular Medicine, Mass General Brigham Personalized Medicine
Classification: Benign. Last evaluated: 2016-03-29. Review status: criteria provided, single submitter. Criteria: LMM Criteria. Collection method: clinical testing. Allele origin: germline.
Comment: Variant identified in a genome or exome case(s) and assessed due to predicted null impact of the variant or pathogenic assertions in the literature or databases. Disclaimer: This variant has not undergone full assessment. The following are preliminary notes: Frequency

Breakthrough Genomics
Classification: Benign. Review status: criteria provided, single submitter. Criteria: ACMG Guidelines, 2015. Collection method: not provided. Allele origin: germline. Inheritance: Unknown mechanism. Affected: yes.